The following is an entry in ClinVar:

ClinVar aggregate classification (germline): Benign (0 of 4 stars; one submission).

Conditions:
ADRA2C-related disorder. Also called: ADRA2C-related condition.

Allele frequency attached by ClinVar (database versions not stated): gnomAD exomes 0.00031; TOPMed 0.00104; gnomAD 0.00115; ExAC 0.00789; 1000 Genomes Project 30x 0.00890; 1000 Genomes Project 0.01478.

Submission:

PreventionGenetics, part of Exact Sciences
Classification: Benign for ADRA2C-related condition. Last evaluated: 2019-08-19. Review status: no assertion criteria provided. Collection method: clinical testing. Allele origin: germline.
Comment: This variant is classified as benign based on ACMG/AMP sequence variant interpretation guidelines (Richards et al. 2015 PMID: 25741868, with internal and published modifications).

NM_000683.4(ADRA2C):c.1015C>T (p.Pro339Ser)

Gene: ADRA2C (adrenoceptor alpha 2C; plus strand). Cytogenetic location: 4p16.3.
Variant type: single nucleotide variant.
Coding change: c.1015C>T on transcript NM_000683.4 (MANE Select); coding-DNA position 1015, C replaced by T.
Protein change: p.Pro339Ser; replaces proline 339 with serine.
Molecular consequence: missense variant.
Genome position (GRCh38, 1-based): chr4:3,767,621, C>T. VCF-style: chr4-3767621-C-T. GRCh37 (hg19) VCF-style: chr4-3769348-C-T.
Other names: short protein forms P339S.
Identifiers: ClinVar variation 3050754 (VCV003050754.2), dbSNP rs189771994, ClinGen allele CA2830353.